The following is an entry in ClinVar:

ClinVar aggregate classification (germline): Uncertain significance (1 of 4 stars; one submission).

gnomAD v4.1: 1 of 1,611,482 alleles (0.000062%); no homozygotes.

Submission:

GeneDx
Classification: Uncertain significance. Last evaluated: 2026-01-23. Review status: criteria provided, single submitter. Criteria: GeneDx Variant Classification Process June 2021. Collection method: clinical testing. Allele origin: germline.
Comment: Not observed at significant frequency in large population cohorts (gnomAD); In silico analysis suggests that this missense variant does not alter protein structure/function; Has not been previously published as pathogenic or benign to our knowledge

NM_018896.5(CACNA1G):c.3133G>T (p.Ala1045Ser)

Gene: CACNA1G (calcium voltage-gated channel subunit alpha1 G; plus strand). Cytogenetic location: 17q21.33.
Variant type: single nucleotide variant.
Coding change: c.3133G>T on transcript NM_018896.5 (MANE Select); coding-DNA position 3133, G replaced by T.
Protein change: p.Ala1045Ser; replaces alanine 1045 with serine.
Molecular consequence: missense variant. On other transcripts: non-coding transcript variant (5).
Genome position (GRCh38, 1-based): chr17:50,596,798, G>T. VCF-style: chr17-50596798-G-T. GRCh37 (hg19) VCF-style: chr17-48674159-G-T.
Other names: c.3133G>T, p.Ala1045Ser (NM_001256324.2, NM_001256325.2, NM_001256326.2 and 16 more transcripts); c.3064G>T, p.Ala1022Ser (NM_001256332.2, NM_198376.3, NM_198379.3 and 5 more transcripts); short protein forms A1022S, A1045S.
Identifiers: ClinVar variation 4888217 (VCV004888217.1).